The following is an entry in ClinVar:

NM_002880.4(RAF1):c.580T>C (p.Leu194=)

Gene: RAF1 (Raf-1 proto-oncogene, serine/threonine kinase; minus strand). Cytogenetic location: 3p25.2.
Variant type: single nucleotide variant.
Coding change: c.580T>C on transcript NM_002880.4 (MANE Select); coding-DNA position 580, T replaced by C.
Protein change: p.Leu194=; no amino-acid change (leucine 194 retained).
Molecular consequence: synonymous variant. On other transcripts: missense variant (2), non-coding transcript variant (3).
Genome position (GRCh38, 1-based): chr3:12,608,767, A>G on the plus strand (T>C on the coding strand, the complement: RAF1 is on the minus strand). VCF-style: chr3-12608767-A-G. GRCh37 (hg19) VCF-style: chr3-12650266-A-G.
Other names: c.580T>C, p.Leu194= (NM_001354689.3, NM_001354690.3); c.337T>C, p.Leu113= (NM_001354691.3, NM_001354692.3, NM_001354694.3); c.580T>C, p.Phe194Leu (NM_001354693.3); c.337T>C, p.Phe113Leu (NM_001354695.3); short protein forms F113L, F194L.
Identifiers: ClinVar variation 3690254 (VCV003690254.2).
Genomic context (GRCh38, chr3:12,608,767, plus strand): 5'-CTTTAAAGTATGTATACTCCTCATCCCTATCTTCCTTGGATAAAAGAACAATGCCTTACA[A>G]GAGTTGTCTGATGTTACTCCAGTCCACACACATAGTAGGTACTTTGGTGCTACAGTGCTC-3'
Protein context (NP_002871.1, residues 184-204): CVDWSNIRQL[Leu194=]LFPNSTIGDS

ClinVar aggregate classification (germline): Uncertain significance (1 of 4 stars; one submission).

Conditions:
RASopathy. Also called: Noonan spectrum disorder; rasopathies. Identifiers: Orphanet 536391, MedGen C5555857, MONDO:0021060.

gnomAD v4.1: 2 of 1,613,906 alleles (0.00012%); highest among the groups gnomAD compares: African/African-American, 0.0013%; no homozygotes.

Submission:

Labcorp Genetics (formerly Invitae), Labcorp
Classification: Uncertain significance for RASopathy. Last evaluated: 2024-07-22. Review status: criteria provided, single submitter. Criteria: Invitae Variant Classification Sherloc (09022015). Collection method: clinical testing. Allele origin: germline.
Comment: This sequence change affects codon 194 of the RAF1 mRNA. It is a 'silent' change, meaning that it does not change the encoded amino acid sequence of the RAF1 protein. It affects a nucleotide within the consensus splice site. This variant is not present in population databases (gnomAD no frequency). This variant has not been reported in the literature in individuals affected with RAF1-related conditions. Algorithms developed to predict the effect of sequence changes on RNA splicing suggest that this variant is not likely to affect RNA splicing. In summary, the available evidence is currently insufficient to determine the role of this variant in disease. Therefore, it has been classified as a Variant of Uncertain Significance.